The following is an entry in ClinVar:

ClinVar aggregate classification (germline): Uncertain significance. Review status: criteria provided, multiple submitters, no conflicts (2 of 4 stars). 2 submissions from 2 submitters: Uncertain significance (2). Last evaluated 2025-07-22.

Conditions:
EGFR-related lung cancer (EGFR). Identifiers: MedGen CN130014.
Hereditary cancer-predisposing syndrome. Also called: Hereditary Cancer Syndrome; Tumor predisposition; Hereditary neoplastic syndrome; Neoplastic Syndromes, Hereditary. Identifiers: Orphanet 140162, MedGen C0027672, MeSH D009386, MONDO:0015356.

Submissions (2):

Labcorp Genetics (formerly Invitae), Labcorp
Classification: Uncertain significance for EGFR-related lung cancer. Last evaluated: 2025-07-22. Review status: criteria provided, single submitter. Criteria: Invitae Variant Classification Sherloc (09022015). Collection method: clinical testing. Allele origin: germline.
Comment: This sequence change replaces histidine, which is basic and polar, with arginine, which is basic and polar, at codon 870 of the EGFR protein (p.His870Arg). This variant is not present in population databases (gnomAD no frequency). This variant has not been reported in the literature in individuals affected with EGFR-related conditions. ClinVar contains an entry for this variant (Variation ID: 1043178). Invitae Evidence Modeling of protein sequence and biophysical properties (such as structural, functional, and spatial information, amino acid conservation, physicochemical variation, residue mobility, and thermodynamic stability) indicates that this missense variant is not expected to disrupt EGFR protein function with a negative predictive value of 80%. Experimental studies have shown that this missense change affects EGFR function (PMID: 19671738). In summary, the available evidence is currently insufficient to determine the role of this variant in disease. Therefore, it has been classified as a Variant of Uncertain Significance.

Ambry Genetics
Classification: Uncertain significance for Hereditary cancer-predisposing syndrome. Last evaluated: 2025-01-03. Review status: criteria provided, single submitter. Criteria: Ambry Variant Classification Scheme 2023. Collection method: clinical testing. Allele origin: germline.
Comment: The p.H870R variant (also known as c.2609A>G), located in coding exon 21 of the EGFR gene, results from an A to G substitution at nucleotide position 2609. The histidine at codon 870 is replaced by arginine, an amino acid with highly similar properties. This amino acid position is highly conserved in available vertebrate species. In addition, the in silico prediction for this alteration is inconclusive. Based on the available evidence, the clinical significance of this variant remains unclear.

Literature cited by the submitters: PubMed 19671738 (cited by Labcorp Genetics (formerly Invitae), Labcorp).

NM_005228.5(EGFR):c.2609A>G (p.His870Arg)

Gene: EGFR (epidermal growth factor receptor; plus strand). Cytogenetic location: 7p11.2.
Variant type: single nucleotide variant.
Coding change: c.2609A>G on transcript NM_005228.5 (MANE Select); coding-DNA position 2609, A replaced by G.
Protein change: p.His870Arg; replaces histidine 870 with arginine.
Molecular consequence: missense variant.
Genome position (GRCh38, 1-based): chr7:55,191,858, A>G. VCF-style: chr7-55191858-A-G. GRCh37 (hg19) VCF-style: chr7-55259551-A-G.
Other names: c.2609A>G (NM_005228.3); c.2474A>G, p.His825Arg (NM_001346897.2, NM_001346899.2); c.2609A>G, p.His870Arg (NM_001346898.2); c.2450A>G, p.His817Arg (NM_001346900.2); c.1808A>G, p.His603Arg (NM_001346941.2); short protein forms H825R, H870R, H603R, H817R.
Identifiers: ClinVar variation 1043178 (VCV001043178.11), dbSNP rs1787411940, ClinGen allele CA367580349.